The following is an entry in ClinVar:

NM_000632.4(ITGAM):c.3054del (p.Val1019fs)

Gene: ITGAM (integrin subunit alpha M; plus strand). Cytogenetic location: 16p11.2.
Variant type: Deletion.
Coding change: c.3054del on transcript NM_000632.4 (MANE Select); coding-DNA position 3054, one base deleted (C; older notation c.3054delC).
Protein change: p.Val1019fs; shifts the reading frame from valine 1019.
Molecular consequence: frameshift variant.
Genome position (GRCh38, 1-based): chr16:31,330,158, C deleted; the last of 5 consecutive C bases (chr16:31,330,154-31,330,158); deleting any one gives the same sequence. VCF-style (leftmost placement, unchanged base first): chr16-31330153-GC-G. GRCh37 (hg19) VCF-style: chr16-31341474-GC-G.
Other names: c.3057del, p.Val1020fs (NM_001145808.2); short protein forms V1019fs, V1020fs.
Identifiers: ClinVar variation 2799638 (VCV002799638.3), dbSNP rs778541056, ClinGen allele CA2739266739.
Genomic context (GRCh38, chr16:31,330,153, plus strand): 5'-ACGTGCCACACCAAGGAGCGCTTGCCCTCTCACTCCGACTTTCTGGCTGAGCTTCGGAAG[GC>G]CCCCGTGGTGGTGAGAAGCTAAGTCAGCCCCAGGGCCACACAGAGACCCAGAGCGCTTCC-3'

ClinVar aggregate classification (germline): Uncertain significance (1 of 4 stars; one submission).

Submission:

Labcorp Genetics (formerly Invitae), Labcorp
Classification: Uncertain significance. Last evaluated: 2023-12-23. Review status: criteria provided, single submitter. Criteria: Invitae Variant Classification Sherloc (09022015). Collection method: clinical testing. Allele origin: germline.
Comment: This sequence change creates a premature translational stop signal (p.Val1019Trpfs*2) in the ITGAM gene. It is expected to result in an absent or disrupted protein product. However, the current clinical and genetic evidence is not sufficient to establish whether loss-of-function variants in ITGAM cause disease. This variant is not present in population databases (gnomAD no frequency). This variant has not been reported in the literature in individuals affected with ITGAM-related conditions. Algorithms developed to predict the effect of sequence changes on RNA splicing suggest that this variant may disrupt the consensus splice site. In summary, the available evidence is currently insufficient to determine the role of this variant in disease. Therefore, it has been classified as a Variant of Uncertain Significance.